The following is an entry in ClinVar:

NM_004415.4(DSP):c.2891A>T (p.Gln964Leu)

Gene: DSP (desmoplakin; plus strand). Cytogenetic location: 6p24.3.
Variant type: single nucleotide variant.
Coding change: c.2891A>T on transcript NM_004415.4 (MANE Select); coding-DNA position 2891, A replaced by T.
Protein change: p.Gln964Leu; replaces glutamine 964 with leucine.
Molecular consequence: missense variant.
Genome position (GRCh38, 1-based): chr6:7,577,792, A>T. VCF-style: chr6-7577792-A-T. GRCh37 (hg19) VCF-style: chr6-7578025-A-T.
Other names: c.2891A>T, p.Gln964Leu (NM_001008844.3, NM_001319034.2); short protein forms Q964L.
Identifiers: ClinVar variation 2929107 (VCV002929107.5), dbSNP rs1204839587, ClinGen allele CA362682381.

ClinVar aggregate classification (germline): Conflicting classifications of pathogenicity. Review status: criteria provided, conflicting classifications (1 of 4 stars). 3 submissions from 3 submitters: Uncertain significance (2); Likely benign (1). Last evaluated 2025-04-15.

Conditions:
Arrhythmogenic cardiomyopathy with wooly hair and keratoderma. Also called: Arrhythmogenic cardiomyopathy with woolly hair and keratoderma; Dilated cardiomyopathy with woolly hair and keratoderma; PALMOPLANTAR KERATODERMA WITH LEFT VENTRICULAR CARDIOMYOPATHY AND WOOLLY HAIR; Carvajal syndrome. Identifiers: Orphanet 65282, MedGen C1854063, MONDO:0011581, OMIM 605676.
Arrhythmogenic right ventricular dysplasia 8 (ARVD8). Also called: Arrhythmogenic Right Ventricular Dysplasia/Cardiomyopathy 8; ARRHYTHMOGENIC RIGHT VENTRICULAR DYSPLASIA, FAMILIAL, 8; ARRHYTHMOGENIC RIGHT VENTRICULAR CARDIOMYOPATHY 8. Identifiers: MedGen C1843896, MONDO:0011831, OMIM 607450.

Allele frequency attached by ClinVar (database versions not stated): gnomAD exomes below 0.00001; TOPMed below 0.00001; gnomAD 0.00001.
gnomAD v4.1: 3 of 1,613,778 alleles (0.00019%); highest among the groups gnomAD compares: African/African-American, 0.004%; no homozygotes.

Submissions (3):

GeneDx
Classification: Uncertain significance. Last evaluated: 2025-04-15. Review status: criteria provided, single submitter. Criteria: GeneDx Variant Classification Process June 2021. Collection method: clinical testing. Allele origin: germline. Affected: yes.
Comment: Not observed at significant frequency in large population cohorts (gnomAD); In silico analysis supports that this missense variant has a deleterious effect on protein structure/function; Has not been previously published as pathogenic or benign to our knowledge

All of Us Research Program, National Institutes of Health
Classification: Uncertain significance for Arrhythmogenic cardiomyopathy with wooly hair and keratoderma. Last evaluated: 2024-02-22. Review status: criteria provided, single submitter. Criteria: ACMG Guidelines, 2015. Collection method: clinical testing. Allele origin: germline. Inheritance: Autosomal dominant inheritance. Observed: 1 variant allele, 1 heterozygote.
Comment: This missense variant replaces glutamine with leucine at codon 964 of the DSP protein. Computational prediction suggests that this variant may not impact protein structure and function (internally defined REVEL score threshold <= 0.5, PMID: 27666373). To our knowledge, functional studies have not been reported for this variant. This variant has not been reported in individuals affected with DSP-related disorders in the literature. This variant has been identified in 2/282816 chromosomes in the general population by the Genome Aggregation Database (gnomAD). The available evidence is insufficient to determine the role of this variant in disease conclusively. Therefore, this variant is classified as a Variant of Uncertain Significance.

This study involves interpretation of variants in research participants for the purpose of population health screening. Participant phenotype was not available at the time of variant classification. Additional details can be found in publication PMID: 35346344, PMCID: PMC8962531

Labcorp Genetics (formerly Invitae), Labcorp
Classification: Likely benign for Arrhythmogenic cardiomyopathy with wooly hair and keratoderma; Arrhythmogenic right ventricular dysplasia 8. Last evaluated: 2023-02-21. Review status: criteria provided, single submitter. Criteria: Invitae Variant Classification Sherloc (09022015). Collection method: clinical testing. Allele origin: germline.